The following is an entry in ClinVar:

NM_001374736.1(DST):c.2046C>T (p.Asp682=)

Gene: DST (dystonin; minus strand). Cytogenetic location: 6p12.1.
Variant type: single nucleotide variant.
Coding change: c.2046C>T on transcript NM_001374736.1 (MANE Select); coding-DNA position 2046, C replaced by T.
Protein change: p.Asp682=; no amino-acid change (aspartic acid 682 retained).
Molecular consequence: synonymous variant.
Genome position (GRCh38, 1-based): chr6:56,640,587, G>A on the plus strand (C>T on the coding strand, the complement: DST is on the minus strand). VCF-style: chr6-56640587-G-A. GRCh37 (hg19) VCF-style: chr6-56505385-G-A.
Other names: c.1947C>T, p.Asp649= (NM_001144769.5); c.1533C>T, p.Asp511= (NM_001144770.2); c.2046C>T, p.Asp682= (NM_001374722.1); c.1413C>T, p.Asp471= (NM_001374729.1, NM_001374730.1, NM_001386100.1 and 1 more transcripts); c.2073C>T, p.Asp691= (NM_001374734.1); c.435C>T, p.Asp145= (NM_001723.7, NM_015548.5).
Identifiers: ClinVar variation 770840 (VCV000770840.13), dbSNP rs148980773, ClinGen allele CA3871492.

ClinVar aggregate classification (germline): Likely benign. Review status: criteria provided, multiple submitters, no conflicts (2 of 4 stars). 3 submissions from 3 submitters: Likely benign (3). Last evaluated 2026-08-18.

Conditions:
Epidermolysis bullosa simplex 3, localized or generalized intermediate, with BP230 deficiency (EBS3). Also called: Epidermolysis bullosa simplex, autosomal recessive 2; Epidermolysis bullosa simplex due to BP230 deficiency. Identifiers: Orphanet 412181, MedGen C3809470, MONDO:0014180, OMIM 615425.
Hereditary sensory and autonomic neuropathy type 6. Also called: HSAN VI; Neuropathy, hereditary sensory and autonomic, type VI. Identifiers: Orphanet 314381, MedGen C3539003, MONDO:0013839, OMIM 614653.
DST-related disorder. Also called: DST-related condition; DST-related disorders.

Allele frequency attached by ClinVar (database versions not stated): gnomAD exomes 0.00001 and 0.00002; TOPMed 0.00001; ExAC 0.00002; gnomAD 0.00002 and 0.00003; ESP Exome Variant Server 0.00015.
gnomAD v4.1: 21 of 1,613,918 alleles (0.0013%); highest among the groups gnomAD compares: African/African-American, 0.004%; no homozygotes.

Submissions (3):

PreventionGenetics, part of Exact Sciences
Classification: Likely benign for DST-related condition. Last evaluated: 2026-08-18. Review status: criteria provided, single submitter. Criteria: ACMG Guidelines, 2015. Collection method: clinical testing. Allele origin: germline.
Comment: This variant is classified as likely benign based on ACMG/AMP sequence variant interpretation guidelines (Richards et al. 2015 PMID: 25741868, with internal and published modifications).

Labcorp Genetics (formerly Invitae), Labcorp
Classification: Likely benign for Epidermolysis bullosa simplex 3, localized or generalized intermediate, with BP230 deficiency; Hereditary sensory and autonomic neuropathy type 6. Last evaluated: 2025-11-18. Review status: criteria provided, single submitter. Criteria: Invitae Variant Classification Sherloc (09022015). Collection method: clinical testing. Allele origin: germline.

Blueprint Genetics
Classification: Likely benign. Last evaluated: 2020-12-31. Review status: criteria provided, single submitter. Criteria: ACMG Guidelines, 2015. Collection method: clinical testing. Allele origin: germline.